The following is an entry in ClinVar:

NM_000136.3(FANCC):c.484A>G (p.Arg162Gly)

Gene: FANCC (FA complementation group C; minus strand). Cytogenetic location: 9q22.32.
Variant type: single nucleotide variant.
Coding change: c.484A>G on transcript NM_000136.3 (MANE Select); coding-DNA position 484, A replaced by G.
Protein change: p.Arg162Gly; replaces arginine 162 with glycine.
Molecular consequence: missense variant.
Genome position (GRCh38, 1-based): chr9:95,171,116, T>C on the plus strand (A>G on the coding strand, the complement: FANCC is on the minus strand). VCF-style: chr9-95171116-T-C. GRCh37 (hg19) VCF-style: chr9-97933398-T-C.
Other names: c.484A>G, p.Arg162Gly (NM_001243743.2, NM_001243744.2); short protein forms R162G.
Identifiers: ClinVar variation 3670489 (VCV003670489.2).

ClinVar aggregate classification (germline): Uncertain significance (1 of 4 stars; one submission).

Conditions:
Fanconi anemia (FA). Also called: Fanconi's anemia. Identifiers: Orphanet 84, MedGen C0015625, MeSH D005199, MONDO:0019391.

gnomAD v4.1: 1 of 1,613,594 alleles (0.000062%); highest among the groups gnomAD compares: Non-Finnish European, 0.000085%; no homozygotes.

Submission:

Labcorp Genetics (formerly Invitae), Labcorp
Classification: Uncertain significance for Fanconi anemia. Last evaluated: 2024-05-15. Review status: criteria provided, single submitter. Criteria: Invitae Variant Classification Sherloc (09022015). Collection method: clinical testing. Allele origin: germline.
Comment: This sequence change replaces arginine, which is basic and polar, with glycine, which is neutral and non-polar, at codon 162 of the FANCC protein (p.Arg162Gly). This variant is not present in population databases (gnomAD no frequency). This variant has not been reported in the literature in individuals affected with FANCC-related conditions. Advanced modeling of protein sequence and biophysical properties (such as structural, functional, and spatial information, amino acid conservation, physicochemical variation, residue mobility, and thermodynamic stability) performed at Invitae indicates that this missense variant is not expected to disrupt FANCC protein function with a negative predictive value of 80%. In summary, the available evidence is currently insufficient to determine the role of this variant in disease. Therefore, it has been classified as a Variant of Uncertain Significance.